The following is an entry in ClinVar:

NM_006118.4(HAX1):c.102T>G (p.Asp34Glu)

Gene: HAX1 (HCLS1 associated protein X-1; plus strand). Cytogenetic location: 1q21.3.
Variant type: single nucleotide variant.
Coding change: c.102T>G on transcript NM_006118.4 (MANE Select); coding-DNA position 102, T replaced by G.
Protein change: p.Asp34Glu; replaces aspartic acid 34 with glutamic acid.
Molecular consequence: missense variant. On other transcripts: intron variant (1).
Genome position (GRCh38, 1-based): chr1:154,273,384, T>G. VCF-style: chr1-154273384-T-G. GRCh37 (hg19) VCF-style: chr1-154245860-T-G.
Other names: c.54-96T>G (NM_001018837.2); short protein forms D34E.
Identifiers: ClinVar variation 971685 (VCV000971685.7), dbSNP rs141512965, ClinGen allele CA1127249.

ClinVar aggregate classification (germline): Uncertain significance. Review status: criteria provided, multiple submitters, no conflicts (2 of 4 stars). 3 submissions from 3 submitters: Uncertain significance (2). 1 of the submissions does not count toward it. Last evaluated 2022-11-17.

Conditions:
Kostmann syndrome (SCN3). Also called: Autosomal recessive severe congenital neutropenia type 3; KOSTMANN DISEASE. Identifiers: Orphanet 99749, MedGen C5235141, MONDO:0012548, OMIM 610738.

Allele frequency attached by ClinVar (database versions not stated): ExAC 0.00004; gnomAD exomes 0.00005 and 0.00006; gnomAD 0.00007 and 0.00008; TOPMed 0.00008; ESP Exome Variant Server 0.00015.
gnomAD v4.1: 90 of 1,613,138 alleles (0.0056%); highest among the groups gnomAD compares: Middle Eastern, 0.016%; no homozygotes.

Submissions (3):

Blueprint Genetics
Classification: Uncertain significance. Last evaluated: 2022-11-17. Review status: criteria provided, single submitter. Criteria: ACMG Guidelines, 2015. Collection method: clinical testing. Allele origin: germline.

Labcorp Genetics (formerly Invitae), Labcorp
Classification: Uncertain significance for Kostmann syndrome. Last evaluated: 2022-10-05. Review status: criteria provided, single submitter. Criteria: Invitae Variant Classification Sherloc (09022015). Collection method: clinical testing. Allele origin: germline.
Comment: This sequence change replaces aspartic acid, which is acidic and polar, with glutamic acid, which is acidic and polar, at codon 34 of the HAX1 protein (p.Asp34Glu). This variant is present in population databases (rs141512965, gnomAD 0.02%). This variant has not been reported in the literature in individuals affected with HAX1-related conditions. ClinVar contains an entry for this variant (Variation ID: 971685). Advanced modeling of protein sequence and biophysical properties (such as structural, functional, and spatial information, amino acid conservation, physicochemical variation, residue mobility, and thermodynamic stability) performed at Invitae indicates that this missense variant is not expected to disrupt HAX1 protein function. In summary, the available evidence is currently insufficient to determine the role of this variant in disease. Therefore, it has been classified as a Variant of Uncertain Significance.

Natera, Inc.
Classification: Uncertain significance for Autosomal recessive severe congenital neutropenia type 3. Last evaluated: 2020-02-13. Review status: no assertion criteria provided. Collection method: clinical testing. Allele origin: germline. Not counted in ClinVar's aggregate classification.